The following is an entry in ClinVar:

ClinVar aggregate classification (germline): Likely benign (0 of 4 stars; one submission).

Conditions:
TBC1D1-related disorder. Also called: TBC1D1-related condition.

Allele frequency attached by ClinVar (database versions not stated): TOPMed below 0.00001; ExAC 0.00003.
gnomAD v4.1: 22 of 1,613,148 alleles (0.0014%); highest among the groups gnomAD compares: Admixed American, 0.0067%; no homozygotes.

Submission:

PreventionGenetics, part of Exact Sciences
Classification: Likely benign for TBC1D1-related condition. Last evaluated: 2019-03-20. Review status: no assertion criteria provided. Collection method: clinical testing. Allele origin: germline.
Comment: This variant is classified as likely benign based on ACMG/AMP sequence variant interpretation guidelines (Richards et al. 2015 PMID: 25741868, with internal and published modifications).

NM_001396959.1(TBC1D1):c.591C>T (p.Ile197=)

Gene: TBC1D1 (TBC1 domain family member 1; plus strand). Cytogenetic location: 4p14.
Variant type: single nucleotide variant.
Coding change: c.591C>T on transcript NM_001396959.1 (MANE Select); coding-DNA position 591, C replaced by T.
Protein change: p.Ile197=; no amino-acid change (isoleucine 197 retained).
Molecular consequence: synonymous variant.
Genome position (GRCh38, 1-based): chr4:38,014,682, C>T. VCF-style: chr4-38014682-C-T. GRCh37 (hg19) VCF-style: chr4-38016303-C-T.
Other names: c.591C>T, p.Ile197= (NM_001253912.2, NM_015173.4).
Identifiers: ClinVar variation 3057420 (VCV003057420.2), dbSNP rs748870275, ClinGen allele CA2887460.